The following is an entry in ClinVar:

NM_001365276.2(TNXB):c.4111G>T (p.Glu1371Ter)

Gene: TNXB (tenascin XB; minus strand). Cytogenetic location: 6p21.33.
Variant type: single nucleotide variant.
Coding change: c.4111G>T on transcript NM_001365276.2 (MANE Select); coding-DNA position 4111, G replaced by T.
Protein change: p.Glu1371Ter; replaces glutamic acid 1371 with a stop codon.
Molecular consequence: nonsense.
Genome position (GRCh38, 1-based): chr6:32,079,297, C>A on the plus strand (G>T on the coding strand, the complement: TNXB is on the minus strand). VCF-style: chr6-32079297-C-A. GRCh37 (hg19) VCF-style: chr6-32047074-C-A.
Other names: c.4852G>T, p.Glu1618Ter (NM_001428335.1); c.4111G>T, p.Glu1371Ter (NM_019105.8); short protein forms E1371*, E1618*.
Identifiers: ClinVar variation 5014078 (VCV005014078.1).
Genomic context (GRCh38, chr6:32,079,297, plus strand): 5'-AGAGGCTCAGCGAATCAGGGGAGGATCCTGTCACTGTCAGCTCCCCCAGGAGCGGCTCCT[C>A]GGGGGACTCCGGGGCCTCCGTGCCCAGTTCTGTGGGGCTGGGGGTCTCGTCCACATCCTC-3'

ClinVar aggregate classification (germline): Pathogenic (1 of 4 stars; one submission).

Conditions:
Ehlers-Danlos syndrome due to tenascin-X deficiency (EDSCLL1). Also called: Ehlers-Danlos syndrome, classic-like, 1; EHLERS-DANLOS SYNDROME, CLASSIC-LIKE; TNXB-Related Classical-Like Ehlers-Danlos Syndrome; EDS DUE TO TNX DEFICIENCY; TNX DEFICIENCY. Identifiers: Orphanet 230839, MedGen C1848029, MONDO:0011670, OMIM 606408.

gnomAD v4.1: 2 of 1,612,724 alleles (0.00012%); highest among the groups gnomAD compares: African/African-American, 0.0027%; no homozygotes.

Submission:

Myriad Genetics, Inc.
Classification: Pathogenic for Ehlers-Danlos syndrome due to tenascin-X deficiency. Last evaluated: 2025-02-09. Review status: criteria provided, single submitter. Criteria: Myriad Autosomal Dominant, Autosomal Recessive and X-Linked Classification Criteria (2023). Collection method: clinical testing. Allele origin: unknown.
Comment: NM_019105.6(TNXB):c.4111G>T(E1371*) is expected to be pathogenic in the context of classical-like Ehlers-Danlos syndrome, TNXB-related. This variant is predicted to lead to an abnormal or absent protein product due to the creation of a premature termination codon in TNXB, a gene where loss-of-function variants are known to be pathogenic. Please note: this variant was assessed in the context of healthy population screening.